The following is an entry in ClinVar:

NM_002608.4(PDGFB):c.725A>G (p.Ter242Trp)

Gene: PDGFB (platelet derived growth factor subunit B; minus strand). Cytogenetic location: 22q13.1.
Variant type: single nucleotide variant.
Coding change: c.725A>G on transcript NM_002608.4 (MANE Select); coding-DNA position 725, A replaced by G.
Protein change: p.Ter242Trp.
Molecular consequence: stop lost.
Genome position (GRCh38, 1-based): chr22:39,225,724, T>C on the plus strand (A>G on the coding strand, the complement: PDGFB is on the minus strand). VCF-style: chr22-39225724-T-C. GRCh37 (hg19) VCF-style: chr22-39621729-T-C.
Other names: c.680A>G, p.Ter227Trp (NM_033016.3).
Identifiers: ClinVar variation 2720775 (VCV002720775.3), dbSNP rs2517755293, ClinGen allele CA411598127.

ClinVar aggregate classification (germline): Uncertain significance (1 of 4 stars; one submission).

Submission:

Labcorp Genetics (formerly Invitae), Labcorp
Classification: Uncertain significance. Last evaluated: 2023-10-05. Review status: criteria provided, single submitter. Criteria: Invitae Variant Classification Sherloc (09022015). Collection method: clinical testing. Allele origin: germline.
Comment: This sequence change disrupts the translational stop signal of the PDGFB mRNA. It is expected to extend the length of the PDGFB protein by 89 additional amino acid residues. This variant is not present in population databases (gnomAD no frequency). This variant has not been reported in the literature in individuals affected with PDGFB-related conditions. Experimental studies and prediction algorithms are not available or were not evaluated, and the functional significance of this variant is currently unknown. In summary, the available evidence is currently insufficient to determine the role of this variant in disease. Therefore, it has been classified as a Variant of Uncertain Significance.